The following is an entry in ClinVar:

NM_144670.6(A2ML1):c.1991C>T (p.Ser664Leu)

Gene: A2ML1 (alpha-2-macroglobulin like 1; plus strand). Cytogenetic location: 12p13.31.
Variant type: single nucleotide variant.
Coding change: c.1991C>T on transcript NM_144670.6 (MANE Select); coding-DNA position 1991, C replaced by T.
Protein change: p.Ser664Leu; replaces serine 664 with leucine.
Molecular consequence: missense variant.
Genome position (GRCh38, 1-based): chr12:8,848,877, C>T. VCF-style: chr12-8848877-C-T. GRCh37 (hg19) VCF-style: chr12-9001473-C-T.
Other names: c.518C>T, p.Ser173Leu (NM_001282424.3); short protein forms S664L, S173L.
Identifiers: ClinVar variation 917607 (VCV000917607.4), dbSNP rs187676229, ClinGen allele CA6435857.

ClinVar aggregate classification (germline): Uncertain significance. Review status: criteria provided, multiple submitters, no conflicts (2 of 4 stars). 2 submissions from 2 submitters: Uncertain significance (2). Last evaluated 2025-05-01.

Allele frequency attached by ClinVar (database versions not stated): gnomAD exomes 0.00001; ExAC 0.00001; 1000 Genomes Project 30x 0.00031; gnomAD 0.00001; TOPMed 0.00003; 1000 Genomes Project 0.00020.
gnomAD v4.1: 14 of 1,614,034 alleles (0.00087%); highest among the groups gnomAD compares: African/African-American, 0.0053%; no homozygotes.

Submissions (2):

Labcorp Genetics (formerly Invitae), Labcorp
Classification: Uncertain significance. Last evaluated: 2025-05-01. Review status: criteria provided, single submitter. Criteria: Invitae Variant Classification Sherloc (09022015). Collection method: clinical testing. Allele origin: germline.
Comment: This sequence change replaces serine, which is neutral and polar, with leucine, which is neutral and non-polar, at codon 664 of the A2ML1 protein (p.Ser664Leu). This variant is present in population databases (rs187676229, gnomAD 0.007%). This variant has not been reported in the literature in individuals affected with A2ML1-related conditions. ClinVar contains an entry for this variant (Variation ID: 917607). An algorithm developed to predict the effect of missense changes on protein structure and function (PolyPhen-2) suggests that this variant is likely to be tolerated. In summary, the available evidence is currently insufficient to determine the role of this variant in disease. Therefore, it has been classified as a Variant of Uncertain Significance.

Women's Health and Genetics/Laboratory Corporation of America, LabCorp
Classification: Uncertain significance. Last evaluated: 2020-01-06. Review status: criteria provided, single submitter. Criteria: LabCorp Variant Classification Summary - May 2015. Collection method: clinical testing. Allele origin: germline.
Comment: Variant summary: A2ML1 c.1991C>T (p.Ser664Leu) results in a non-conservative amino acid change in the encoded protein sequence. Four of five in-silico tools predict a benign effect of the variant on protein function. The variant allele was found at a frequency of 1.2e-05 in 249046 control chromosomes (gnomAD). The available data on variant occurrences in the general population are insufficient to allow any conclusion about variant significance. To our knowledge, no occurrence of c.1991C>T in individuals affected with Noonan Syndrome and no experimental evidence demonstrating an impact on protein function have been reported. No clinical diagnostic laboratories have submitted clinical-significance assessments for this variant to ClinVar after 2014. Based on the evidence outlined above, the variant was classified as uncertain significance.